The following is an entry in ClinVar:

ClinVar aggregate classification (germline): Likely benign (1 of 4 stars; one submission).

Allele frequency attached by ClinVar (database versions not stated): 1000 Genomes Project 30x 0.00281; 1000 Genomes Project 0.00300; TOPMed 0.00481; ESP Exome Variant Server 0.00592; gnomAD 0.00689; gnomAD exomes 0.00746; ExAC 0.00747.
gnomAD v4.1: 11,779 of 1,614,160 alleles (0.73%); highest among the groups gnomAD compares: Non-Finnish European, 0.8%; 70 homozygotes.

Submission:

CeGaT Center for Human Genetics Tuebingen
Classification: Likely benign. Last evaluated: 2022-11-01. Review status: criteria provided, single submitter. Criteria: CeGaT Center For Human Genetics Tuebingen Variant Classification Criteria Version 2. Collection method: clinical testing. Allele origin: germline. Affected: yes. Observed: 1 variant allele.
Comment: PODXL2: BP4, BP7, BS2

NM_015720.4(PODXL2):c.1077C>T (p.Leu359=)

Gene: PODXL2 (podocalyxin like 2; plus strand). Cytogenetic location: 3q21.3.
Variant type: single nucleotide variant.
Coding change: c.1077C>T on transcript NM_015720.4 (MANE Select); coding-DNA position 1077, C replaced by T.
Protein change: p.Leu359=; no amino-acid change (leucine 359 retained).
Molecular consequence: synonymous variant.
Genome position (GRCh38, 1-based): chr3:127,661,105, C>T. VCF-style: chr3-127661105-C-T. GRCh37 (hg19) VCF-style: chr3-127379948-C-T.
Identifiers: ClinVar variation 2654107 (VCV002654107.24), dbSNP rs34980487, ClinGen allele CA2596532.